The following is an entry in ClinVar:

NM_001042492.3(NF1):c.1655T>G (p.Leu552Arg)

Gene: NF1 (neurofibromin 1; plus strand). Cytogenetic location: 17q11.2.
Variant type: single nucleotide variant.
Coding change: c.1655T>G on transcript NM_001042492.3 (MANE Select); coding-DNA position 1655, T replaced by G.
Protein change: p.Leu552Arg; replaces leucine 552 with arginine.
Molecular consequence: missense variant.
Genome position (GRCh38, 1-based): chr17:31,221,863, T>G. VCF-style: chr17-31221863-T-G. GRCh37 (hg19) VCF-style: chr17-29548881-T-G.
Other names: c.1655T>G, p.Leu552Arg (NM_000267.4, NM_001128147.3); short protein forms L552R.
Identifiers: ClinVar variation 547600 (VCV000547600.2), dbSNP rs1555613193, ClinGen allele CA399002234.
Genomic context (GRCh38, chr17:31,221,863, plus strand): 5'-GTTTGAGTGAGTCTTCTCTTTGTCTTTCTCTTTTTTAAAAAATTCAGGCTCTGCTGGTTC[T>G]TCATCAGTTAGATAGCATTGATTTGTGGAATCCTGATGCTCCTGTAGAAACATTTTGGGA-3'
Protein context (NP_001035957.1, residues 542-562): AQEAMEALLV[Leu552Arg]HQLDSIDLWN

ClinVar aggregate classification (germline): Conflicting classifications of pathogenicity. Review status: criteria provided, conflicting classifications (1 of 4 stars). 2 submissions from 2 submitters: Likely pathogenic (1); Uncertain significance (1). Last evaluated 2025-09-22.

Conditions:
Neurofibromatosis, type 1 (NF1). Also called: NEUROFIBROMATOSIS, TYPE I, SOMATIC; VON RECKLINGHAUSEN DISEASE; Peripheral type neurofibromatosis; Neurofibromatosis, type I. Identifiers: Orphanet 636, MedGen C0027831, MONDO:0018975, OMIM 162200. Disease mechanism: loss of function.

Submissions (2):

Labcorp Genetics (formerly Invitae), Labcorp
Classification: Likely pathogenic for Neurofibromatosis, type 1. Last evaluated: 2025-09-22. Review status: criteria provided, single submitter. Criteria: Invitae Variant Classification Sherloc (09022015). Collection method: clinical testing. Allele origin: germline.
Comment: This sequence change replaces leucine, which is neutral and non-polar, with arginine, which is basic and polar, at codon 552 of the NF1 protein (p.Leu552Arg). This variant is not present in population databases (gnomAD no frequency). This missense change has been observed in individual(s) with neurofibromatosis type I (internal data). ClinVar contains an entry for this variant (Variation ID: 547600). Invitae Evidence Modeling of protein sequence and biophysical properties (such as structural, functional, and spatial information, amino acid conservation, physicochemical variation, residue mobility, and thermodynamic stability) indicates that this missense variant is expected to disrupt NF1 protein function with a positive predictive value of 95%. This variant disrupts the p.Leu552 amino acid residue in NF1. Other variant(s) that disrupt this residue have been determined to be pathogenic (internal data). This suggests that this residue is clinically significant, and that variants that disrupt this residue are likely to be disease-causing. In summary, the currently available evidence indicates that the variant is pathogenic, but additional data are needed to prove that conclusively. Therefore, this variant has been classified as Likely Pathogenic.

Center for Human Genetics, Inc
Classification: Uncertain significance for Neurofibromatosis, type 1. Last evaluated: 2016-11-01. Review status: criteria provided, single submitter. Criteria: ACMG Guidelines, 2015. Collection method: clinical testing. Allele origin: germline. Affected: yes.